The following is an entry in ClinVar:

NM_005476.7(GNE):c.62A>G (p.Asp21Gly)

Gene: GNE (glucosamine (UDP-N-acetyl)-2-epimerase/N-acetylmannosamine kinase; minus strand). Cytogenetic location: 9p13.3.
Variant type: single nucleotide variant.
Coding change: c.62A>G on transcript NM_005476.7 (MANE Select); coding-DNA position 62, A replaced by G.
Protein change: p.Asp21Gly; replaces aspartic acid 21 with glycine.
Molecular consequence: missense variant. On other transcripts: intron variant (3).
Genome position (GRCh38, 1-based): chr9:36,249,294, T>C on the plus strand (A>G on the coding strand, the complement: GNE is on the minus strand). VCF-style: chr9-36249294-T-C. GRCh37 (hg19) VCF-style: chr9-36249291-T-C.
Other names: c.155A>G, p.Asp52Gly (NM_001128227.3); c.62A>G, p.Asp21Gly (NM_001190383.3, NM_001374797.1); c.-13-2812A>G (NM_001190388.2, NM_001190384.3, NM_001374798.1); short protein forms D21G, D52G.
Identifiers: ClinVar variation 5004250 (VCV005004250.1).
Genomic context (GRCh38, chr9:36,249,294, plus strand): 5'-AGTTCAAAGAACTCAGGTTCGGTTTTAATGCCAAACATGATCGGGGCAAGTTTAGAATAA[T>C]CTGCACGGTTACAAGTAGCAACACAAACCCGCAGCTTTCGGTTATTTCCATTCTTCTCCA-3'
Protein context (NP_005467.1, residues 11-31): RVCVATCNRA[Asp21Gly]YSKLAPIMFG

ClinVar aggregate classification (germline): Uncertain significance (1 of 4 stars; one submission).

Conditions:
GNE myopathy (NM). Also called: NONAKA DISTAL MYOPATHY; INCLUSION BODY MYOPATHY, HEREDITARY, AUTOSOMAL RECESSIVE; INCLUSION BODY MYOPATHY 2, AUTOSOMAL RECESSIVE; IBM 2; Inclusion body myopathy autosomal recessive; Inclusion body myopathy quadriceps sparing. Identifiers: Orphanet 602, MedGen C1853926, MONDO:0011603, OMIM 605820.

Submission:

Myriad Genetics, Inc.
Classification: Uncertain significance for GNE myopathy. Last evaluated: 2025-10-27. Review status: criteria provided, single submitter. Criteria: Myriad Autosomal Dominant, Autosomal Recessive and X-Linked Classification Criteria (2023). Collection method: clinical testing. Allele origin: unknown.
Comment: NM_001128227.2(GNE):c.155A>G(D52G) is a missense variant classified as a variant of uncertain significance in the context of GNE myopathy. D52G has been observed in a case with relevant disease (PMID: 35438352). Relevant functional assessments of this variant are not available in the literature. D52G has not been observed in referenced population frequency databases. In summary, there is insufficient evidence to classify NM_001128227.2(GNE):c.155A>G(D52G) as pathogenic or benign. Please note: this variant was assessed in the context of healthy population screening.

Literature cited by the submitters: PubMed 35438352.